The following is an entry in ClinVar:

ClinVar aggregate classification (germline): Pathogenic (1 of 4 stars; one submission).

Conditions:
DICER1-related tumor predisposition. Also called: DICER1 syndrome; DICER1-related pleuropulmonary blastoma cancer predisposition syndrome. Identifiers: Orphanet 284343, MedGen C3839822, MONDO:0100216.

Submission:

Labcorp Genetics (formerly Invitae), Labcorp
Classification: Pathogenic for DICER1-related tumor predisposition. Last evaluated: 2020-03-18. Review status: criteria provided, single submitter. Criteria: Invitae Variant Classification Sherloc (09022015). Collection method: clinical testing. Allele origin: germline.
Comment: This variant is not present in population databases (ExAC no frequency). This sequence change creates a premature translational stop signal (p.Cys1197*) in the DICER1 gene. It is expected to result in an absent or disrupted protein product. This variant has not been reported in the literature in individuals with DICER1-related disease. For these reasons, this variant has been classified as Pathogenic. Loss-of-function variants in DICER1 are known to be pathogenic (PMID: 19556464, 21266384).

Literature cited by the submitters: PubMed 19556464; PubMed 21266384.

NM_177438.3(DICER1):c.3591C>A (p.Cys1197Ter)

Gene: DICER1 (dicer 1, ribonuclease III; minus strand). Cytogenetic location: 14q32.13.
Variant type: single nucleotide variant.
Coding change: c.3591C>A on transcript NM_177438.3 (MANE Select); coding-DNA position 3591, C replaced by A.
Protein change: p.Cys1197Ter; replaces cysteine 1197 with a stop codon.
Molecular consequence: nonsense.
Genome position (GRCh38, 1-based): chr14:95,103,805, G>T on the plus strand (C>A on the coding strand, the complement: DICER1 is on the minus strand). VCF-style: chr14-95103805-G-T. GRCh37 (hg19) VCF-style: chr14-95570142-G-T.
Other names: c.3591C>A, p.Cys1197Ter (NM_001195573.1, NM_001271282.3, NM_001291628.2 and 1 more transcripts); short protein forms C1197*.
Identifiers: ClinVar variation 576410 (VCV000576410.8), dbSNP rs1566768212, ClinGen allele CA390874787.
Genomic context (GRCh38, chr14:95,103,805, plus strand): 5'-ATATGAGGTAGTTGGTTGCACGGGTATTTCCTGCTTGTAGTAATTTAGCTGATTTCCTTG[G>T]CAAAAGTCTCTGTTAGCTAAATCATAACTGCCATTGGCGAGATTTTGATTGTAAGAAAGA-3'